The following is an entry in ClinVar:

ClinVar aggregate classification (germline): Pathogenic (1 of 4 stars; one submission).

Conditions:
Cohen syndrome (COH1). Also called: PEPPER SYNDROME; Cutis verticis gyrata, retinitis pigmentosa, and sensorineural deafness. Identifiers: Orphanet 193, MedGen C0265223, MONDO:0008999, OMIM 216550.

Submission:

Myriad Genetics, Inc.
Classification: Pathogenic for Cohen syndrome. Last evaluated: 2024-01-29. Review status: criteria provided, single submitter. Criteria: Myriad Autosomal Dominant, Autosomal Recessive and X-Linked Classification Criteria (2023). Collection method: clinical testing. Allele origin: unknown.
Comment: NM_017890.4(VPS13B):c.9518C>A(S3173*) is expected to be pathogenic in the context of Cohen syndrome. This variant is predicted to lead to an abnormal or absent protein product due to the creation of a premature termination codon in VPS13B, a gene where loss-of-function variants are known to be pathogenic. Please note: this variant was assessed in the context of healthy population screening.

NM_152564.5(VPS13B):c.9443C>A (p.Ser3148Ter)

Gene: VPS13B (vacuolar protein sorting 13 homolog B; plus strand). Cytogenetic location: 8q22.2.
Variant type: single nucleotide variant.
Coding change: c.9443C>A on transcript NM_152564.5 (MANE Select); coding-DNA position 9443, C replaced by A.
Protein change: p.Ser3148Ter; replaces serine 3148 with a stop codon.
Molecular consequence: nonsense.
Genome position (GRCh38, 1-based): chr8:99,832,481, C>A. VCF-style: chr8-99832481-C-A. GRCh37 (hg19) VCF-style: chr8-100844709-C-A.
Other names: c.9518C>A, p.Ser3173Ter (NM_017890.5); short protein forms S3148*, S3173*.
Identifiers: ClinVar variation 5012689 (VCV005012689.1).
Genomic context (GRCh38, chr8:99,832,481, plus strand): 5'-AGCCTGCTATGAAATCCAGCTCCCTTCCTTGCTGGGACTTGATGCCTGACATCAGTCAGT[C>A]AGTACTGGATGCATCCCTGCTTCAGAAACAGATCATGCTGGGCTTTTCTCCTGCCCCAGG-3'